The following is an entry in ClinVar:

NC_000019.9:g.(?_54297303)_(54301687_?)del

Gene: NLRP12 (NLR family pyrin domain containing 12; minus strand). Cytogenetic location: 19q13.42.
Variant type: Deletion.
Identifiers: ClinVar variation 2427306 (VCV002427306.3).

ClinVar aggregate classification (germline): Uncertain significance (1 of 4 stars; one submission).

Conditions:
Familial cold autoinflammatory syndrome 2 (FCAS2). Identifiers: Orphanet 247868, MedGen C2673198, MONDO:0012724, OMIM 611762.

Submission:

Labcorp Genetics (formerly Invitae), Labcorp
Classification: Uncertain significance for Familial cold autoinflammatory syndrome 2. Last evaluated: 2022-03-19. Review status: criteria provided, single submitter. Criteria: Invitae Variant Classification Sherloc (09022015). Collection method: clinical testing. Allele origin: germline.
Comment: In summary, the available evidence is currently insufficient to determine the role of this variant in disease. Therefore, it has been classified as a Variant of Uncertain Significance. Experimental studies and prediction algorithms are not available or were not evaluated, and the functional significance of this variant is currently unknown. This variant has not been reported in the literature in individuals affected with NLRP12-related conditions. This variant is a gross deletion of the genomic region encompassing exon(s) 8-10 of the NLRP12 gene, which includes the termination codon. This deletion extends beyond the assayed region for this gene and therefore may encompass additional genes. While this deletion is not anticipated to lead to nonsense mediated decay, it is expected to alter mRNA translation or result in a truncated protein product.